The following is an entry in ClinVar:

NM_007194.4(CHEK2):c.1036C>G (p.Arg346Gly)

Gene: CHEK2 (checkpoint kinase 2; minus strand). Cytogenetic location: 22q12.1.
Variant type: single nucleotide variant.
Coding change: c.1036C>G on transcript NM_007194.4 (MANE Select); coding-DNA position 1036, C replaced by G.
Protein change: p.Arg346Gly; replaces arginine 346 with glycine.
Molecular consequence: missense variant. On other transcripts: intron variant (3).
Genome position (GRCh38, 1-based): chr22:28,696,960, G>C on the plus strand (C>G on the coding strand, the complement: CHEK2 is on the minus strand). VCF-style: chr22-28696960-G-C. GRCh37 (hg19) VCF-style: chr22-29092948-G-C.
Other names: c.1165C>G, p.Arg389Gly (NM_001005735.3); c.373C>G, p.Arg125Gly (NM_001257387.3, NM_001437942.1); c.835C>G, p.Arg279Gly (NM_001349956.3); c.1129C>G, p.Arg377Gly (NM_001438293.1); c.1009-1087C>G (NM_145862.3); c.1102-1087C>G (NM_001438295.1); c.1138-1087C>G (NM_001438294.1); short protein forms R346G, R389G, R279G, R125G, R377G.
Identifiers: ClinVar variation 479557 (VCV000479557.19), dbSNP rs201206424, ClinGen allele CA411097739.
Genomic context (GRCh38, chr22:28,696,960, plus strand): 5'-CCTTTATAAGACAGTCCTCTTCTTGAGATGACAGTAAAACATTCTCTGGCTTTAAGTCAC[G>C]GTGTATAATACCGTTTTCATGAAGGTACTACACAGAAAGGCAGGCATGACCCTCAGATTC-3'
Protein context (NP_009125.1, residues 336-356): QYLHENGIIH[Arg346Gly]DLKPENVLLS

ClinVar aggregate classification (germline): Uncertain significance. Review status: criteria provided, multiple submitters, no conflicts (2 of 4 stars). 4 submissions from 4 submitters: Uncertain significance (4). Last evaluated 2025-01-29.

Conditions:
Familial cancer of breast. Also called: BREAST CANCER, FAMILIAL; Hereditary breast cancer; hereditary breast carcinoma. Identifiers: Orphanet 227535, MedGen C0346153, MONDO:0016419, OMIM 114480. Disease mechanism: loss of function.
Hereditary cancer-predisposing syndrome. Also called: Hereditary Cancer Syndrome; Neoplastic Syndromes, Hereditary; Tumor predisposition; Hereditary neoplastic syndrome. Identifiers: Orphanet 140162, MedGen C0027672, MeSH D009386, MONDO:0015356.

gnomAD v4.1: 1 of 1,612,872 alleles (0.000062%); highest among the groups gnomAD compares: Non-Finnish European, 0.000085%; no homozygotes.

Submissions (4):

Ambry Genetics
Classification: Uncertain significance for Hereditary cancer-predisposing syndrome. Last evaluated: 2025-01-29. Review status: criteria provided, single submitter. Criteria: Ambry Variant Classification Scheme 2023. Collection method: clinical testing. Allele origin: germline.
Comment: The p.R346G variant (also known as c.1036C>G), located in coding exon 9 of the CHEK2 gene, results from a C to G substitution at nucleotide position 1036. The arginine at codon 346 is replaced by glycine, an amino acid with dissimilar properties. This amino acid position is highly conserved in available vertebrate species. In addition, this alteration is predicted to be deleterious by in silico analysis. Based on the available evidence, the clinical significance of this variant remains unclear.

Labcorp Genetics (formerly Invitae), Labcorp
Classification: Uncertain significance for Familial cancer of breast. Last evaluated: 2024-02-25. Review status: criteria provided, single submitter. Criteria: Invitae Variant Classification Sherloc (09022015). Collection method: clinical testing. Allele origin: germline.
Comment: This sequence change replaces arginine, which is basic and polar, with glycine, which is neutral and non-polar, at codon 346 of the CHEK2 protein (p.Arg346Gly). This variant is not present in population databases (gnomAD no frequency). This variant has not been reported in the literature in individuals affected with CHEK2-related conditions. ClinVar contains an entry for this variant (Variation ID: 479557). An algorithm developed to predict the effect of missense changes on protein structure and function (PolyPhen-2) suggests that this variant is likely to be disruptive. In summary, the available evidence is currently insufficient to determine the role of this variant in disease. Therefore, it has been classified as a Variant of Uncertain Significance.

GeneDx
Classification: Uncertain significance. Last evaluated: 2024-02-20. Review status: criteria provided, single submitter. Criteria: GeneDx Variant Classification Process June 2021. Collection method: clinical testing. Allele origin: germline. Affected: yes.
Comment: Not observed at significant frequency in large population cohorts (gnomAD); In silico analysis supports that this missense variant has a deleterious effect on protein structure/function; Has not been previously published as pathogenic or benign to our knowledge; This variant is associated with the following publications: (PMID: 19782031, 22419737, Guauque-OlarteS2016[preprint])

Color Diagnostics, LLC DBA Color Health
Classification: Uncertain significance for Hereditary cancer-predisposing syndrome. Last evaluated: 2022-01-03. Review status: criteria provided, single submitter. Criteria: ACMG Guidelines, 2015. Collection method: clinical testing. Allele origin: germline.
Comment: This missense variant replaces arginine with glycine at codon 346 of the CHEK2 protein. Computational prediction suggests that this variant may have deleterious impact on protein structure and function (internally defined REVEL score threshold >= 0.7, PMID: 27666373). To our knowledge, functional studies have not been reported for this variant. This variant has not been reported in individuals affected with hereditary cancer in the literature. This variant has not been identified in the general population by the Genome Aggregation Database (gnomAD). The available evidence is insufficient to determine the role of this variant in disease conclusively. Therefore, this variant is classified as a Variant of Uncertain Significance.